The following is an entry in ClinVar:

ClinVar aggregate classification (germline): Uncertain significance (1 of 4 stars; one submission).

Conditions:
Hereditary cancer-predisposing syndrome. Also called: Tumor predisposition; Hereditary Cancer Syndrome; Neoplastic Syndromes, Hereditary; Hereditary neoplastic syndrome. Identifiers: Orphanet 140162, MedGen C0027672, MeSH D009386, MONDO:0015356.

Allele frequency attached by ClinVar (database versions not stated): TOPMed below 0.00001; gnomAD 0.00001.
gnomAD v4.1: 7 of 1,535,272 alleles (0.00046%); highest among the groups gnomAD compares: Non-Finnish European, 0.00061%; no homozygotes.

Submission:

Ambry Genetics
Classification: Uncertain significance for Hereditary cancer-predisposing syndrome. Last evaluated: 2025-10-22. Review status: criteria provided, single submitter. Criteria: Ambry Variant Classification Scheme 2023. Collection method: clinical testing. Allele origin: germline.
Comment: The c.-2G>T variant is located in the 5' untranslated region (5&rsquo; UTR) of the ALK gene. This variant results from a G to T substitution 2 nucleotides upstream from the first translated codon. This nucleotide position is well conserved in available vertebrate species. Based on the available evidence, the clinical significance of this variant remains unclear.

NM_004304.5(ALK):c.-2G>T

Gene: ALK (ALK receptor tyrosine kinase; minus strand). Cytogenetic location: 2p23.1.
Variant type: single nucleotide variant.
Coding change: c.-2G>T on transcript NM_004304.5 (MANE Select); 2 bases upstream of the start codon, G replaced by T.
Molecular consequence: 5 prime UTR variant.
Genome position (GRCh38, 1-based): chr2:29,920,661, C>A on the plus strand (G>T on the coding strand, the complement: ALK is on the minus strand). VCF-style: chr2-29920661-C-A. GRCh37 (hg19) VCF-style: chr2-30143527-C-A.
Identifiers: ClinVar variation 822532 (VCV000822532.5), dbSNP rs1202718057, ClinGen allele CA531684496.